The following is an entry in ClinVar:

NM_001365999.1(SZT2):c.9038C>A (p.Ser3013Tyr)

Gene: SZT2 (SZT2 subunit of KICSTOR complex; plus strand). Cytogenetic location: 1p34.2.
Variant type: single nucleotide variant.
Coding change: c.9038C>A on transcript NM_001365999.1 (MANE Select); coding-DNA position 9038, C replaced by A.
Protein change: p.Ser3013Tyr; replaces serine 3013 with tyrosine.
Molecular consequence: missense variant.
Genome position (GRCh38, 1-based): chr1:43,446,382, C>A. VCF-style: chr1-43446382-C-A. GRCh37 (hg19) VCF-style: chr1-43912053-C-A.
Other names: c.8867C>A, p.Ser2956Tyr (NM_015284.4); short protein forms S3013Y, S2956Y.
Identifiers: ClinVar variation 941428 (VCV000941428.9), dbSNP rs780558383, ClinGen allele CA810794.

ClinVar aggregate classification (germline): Uncertain significance (1 of 4 stars; one submission).

Allele frequency attached by ClinVar (database versions not stated): gnomAD exomes below 0.00001; ExAC 0.00001.
gnomAD v4.1: 4 of 1,614,274 alleles (0.00025%); highest among the groups gnomAD compares: South Asian, 0.0033%; no homozygotes.

Submission:

Labcorp Genetics (formerly Invitae), Labcorp
Classification: Uncertain significance. Last evaluated: 2019-10-08. Review status: criteria provided, single submitter. Criteria: Invitae Variant Classification Sherloc (09022015). Collection method: clinical testing. Allele origin: germline.
Comment: This sequence change replaces serine with tyrosine at codon 2956 of the SZT2 protein (p.Ser2956Tyr). The serine residue is highly conserved and there is a large physicochemical difference between serine and tyrosine. This variant is present in population databases (rs780558383, ExAC 0.006%). This variant has not been reported in the literature in individuals with SZT2-related conditions. Algorithms developed to predict the effect of missense changes on protein structure and function (SIFT, PolyPhen-2, Align-GVGD) all suggest that this variant is likely to be disruptive, but these predictions have not been confirmed by published functional studies and their clinical significance is uncertain. In summary, the available evidence is currently insufficient to determine the role of this variant in disease. Therefore, it has been classified as a Variant of Uncertain Significance.